The following is an entry in ClinVar:

ClinVar aggregate classification (germline): Pathogenic/Likely pathogenic. Review status: criteria provided, multiple submitters, no conflicts (2 of 4 stars). 3 submissions from 3 submitters: Pathogenic (2); Likely pathogenic (1). Last evaluated 2024-10-31.

Conditions:
Bloom syndrome (BLM). Also called: Bloom-Torre-Machacek syndrome. Identifiers: Orphanet 125, MedGen C0005859, MONDO:0008876, OMIM 210900.
Hereditary cancer-predisposing syndrome. Also called: Neoplastic Syndromes, Hereditary; Hereditary neoplastic syndrome; Tumor predisposition; Hereditary Cancer Syndrome. Identifiers: Orphanet 140162, MedGen C0027672, MeSH D009386, MONDO:0015356.
BLM-related disorder. Also called: BLM-related condition.

Allele frequency attached by ClinVar (database versions not stated): TOPMed 0.00001.

Submissions (3):

Ambry Genetics
Classification: Pathogenic for Hereditary cancer-predisposing syndrome. Last evaluated: 2024-10-31. Review status: criteria provided, single submitter. Criteria: Ambry Variant Classification Scheme 2023. Collection method: clinical testing. Allele origin: germline.
Comment: The p.K513* pathogenic mutation (also known as c.1537A>T), located in coding exon 6 of the BLM gene, results from an A to T substitution at nucleotide position 1537. This changes the amino acid from a lysine to a stop codon within coding exon 6. This variant is considered to be rare based on population cohorts in the Genome Aggregation Database (gnomAD). This alteration is expected to result in loss of function by premature protein truncation or nonsense-mediated mRNA decay. As such, this alteration is interpreted as a disease-causing mutation.

Blueprint Genetics
Classification: Likely pathogenic for BLM-related disorders. Last evaluated: 2024-08-09. Review status: criteria provided, single submitter. Criteria: ACMG Guidelines, 2015. Collection method: clinical testing. Allele origin: germline. Affected: yes. Observed: 1 variant allele.

Labcorp Genetics (formerly Invitae), Labcorp
Classification: Pathogenic for Bloom syndrome. Last evaluated: 2023-05-22. Review status: criteria provided, single submitter. Criteria: Invitae Variant Classification Sherloc (09022015). Collection method: clinical testing. Allele origin: germline.
Comment: This sequence change creates a premature translational stop signal (p.Lys513*) in the BLM gene. It is expected to result in an absent or disrupted protein product. Loss-of-function variants in BLM are known to be pathogenic (PMID: 17407155). This variant is not present in population databases (gnomAD no frequency). This variant has not been reported in the literature in individuals affected with BLM-related conditions. ClinVar contains an entry for this variant (Variation ID: 2130127). For these reasons, this variant has been classified as Pathogenic.

Literature cited by the submitters: PubMed 17407155 (cited by Labcorp Genetics (formerly Invitae), Labcorp).

NM_000057.4(BLM):c.1537A>T (p.Lys513Ter)

Gene: BLM (BLM RecQ like helicase; plus strand). Cytogenetic location: 15q26.1.
Variant type: single nucleotide variant.
Coding change: c.1537A>T on transcript NM_000057.4 (MANE Select); coding-DNA position 1537, A replaced by T.
Protein change: p.Lys513Ter; replaces lysine 513 with a stop codon.
Molecular consequence: nonsense.
Genome position (GRCh38, 1-based): chr15:90,760,910, A>T. VCF-style: chr15-90760910-A-T. GRCh37 (hg19) VCF-style: chr15-91304140-A-T.
Other names: c.1537A>T, p.Lys513Ter (NM_001287246.2, NM_001287247.2); c.412A>T, p.Lys138Ter (NM_001287248.2); short protein forms K513*, K138*.
Identifiers: ClinVar variation 2130127 (VCV002130127.6), dbSNP rs1412833703, ClinGen allele CA393843272.